The following is an entry in ClinVar:

ClinVar aggregate classification (germline): Likely benign. Review status: criteria provided, multiple submitters, no conflicts (2 of 4 stars). 2 submissions from 2 submitters: Likely benign (2). Last evaluated 2024-10-01.

Conditions:
Charcot-Marie-Tooth disease dominant intermediate C (CMTDIC). Also called: CHARCOT-MARIE-TOOTH NEUROPATHY, DOMINANT INTERMEDIATE C. Identifiers: Orphanet 100045, MedGen C1842237, MONDO:0012012, OMIM 608323.

Allele frequency attached by ClinVar (database versions not stated): gnomAD exomes below 0.00001; TOPMed below 0.00001; gnomAD 0.00001.
gnomAD v4.1: 2 of 1,614,100 alleles (0.00012%); highest among the groups gnomAD compares: Non-Finnish European, 0.00017%; no homozygotes.

Submissions (2):

Women's Health and Genetics/Laboratory Corporation of America, LabCorp
Classification: Likely benign. Last evaluated: 2024-10-01. Review status: criteria provided, single submitter. Criteria: LabCorp Variant Classification Summary - May 2015. Collection method: clinical testing. Allele origin: germline.
Comment: Variant summary: YARS1 c.1245G>A alters a non-conserved nucleotide resulting in a synonymous change. Consensus agreement among computation tools predict no significant impact on normal splicing. However, these predictions have yet to be confirmed by functional studies. The variant allele was found at a frequency of 1.2e-06 in 1607104 control chromosomes in the gnomAD database (v4.1 dataset). The available data on variant occurrences in the general population are insufficient to allow any conclusion about variant significance. To our knowledge, no occurrence of c.1245G>A in individuals affected with Neurologic, endocrine, and pancreatic disease, multisystem, infantile-onset 2 and no experimental evidence demonstrating its impact on protein function have been reported. ClinVar contains an entry for this variant (Variation ID: 1681487). Based on the evidence outlined above, the variant was classified as likely benign.

Labcorp Genetics (formerly Invitae), Labcorp
Classification: Likely benign for Charcot-Marie-Tooth disease dominant intermediate C. Last evaluated: 2021-08-30. Review status: criteria provided, single submitter. Criteria: Invitae Variant Classification Sherloc (09022015). Collection method: clinical testing. Allele origin: germline.

NM_003680.4(YARS1):c.1245G>A (p.Leu415=)

Gene: YARS1 (tyrosyl-tRNA synthetase 1; minus strand). Cytogenetic location: 1p35.1.
Variant type: single nucleotide variant.
Coding change: c.1245G>A on transcript NM_003680.4 (MANE Select); coding-DNA position 1245, G replaced by A.
Protein change: p.Leu415=; no amino-acid change (leucine 415 retained).
Molecular consequence: synonymous variant.
Genome position (GRCh38, 1-based): chr1:32,780,174, C>T on the plus strand (G>A on the coding strand, the complement: YARS1 is on the minus strand). VCF-style: chr1-32780174-C-T. GRCh37 (hg19) VCF-style: chr1-33245775-C-T.
Identifiers: ClinVar variation 1681487 (VCV001681487.9), dbSNP rs1162746032, ClinGen allele CA417064270.